The following is an entry in ClinVar:

NM_014679.5(CEP57):c.1061A>G (p.Asn354Ser)

Gene: CEP57 (centrosomal protein 57; plus strand). Cytogenetic location: 11q21.
Variant type: single nucleotide variant.
Coding change: c.1061A>G on transcript NM_014679.5 (MANE Select); coding-DNA position 1061, A replaced by G.
Protein change: p.Asn354Ser; replaces asparagine 354 with serine.
Molecular consequence: missense variant.
Genome position (GRCh38, 1-based): chr11:95,827,961, A>G. VCF-style: chr11-95827961-A-G. GRCh37 (hg19) VCF-style: chr11-95561125-A-G.
Other names: c.1061A>G (NM_014679.4); c.1034A>G, p.Asn345Ser (NM_001243776.2); c.983A>G, p.Asn328Ser (NM_001243777.2); c.980A>G, p.Asn327Ser (NM_001363604.2); short protein forms N345S, N354S, N327S, N328S.
Identifiers: ClinVar variation 3666790 (VCV003666790.5).

ClinVar aggregate classification (germline): Conflicting classifications of pathogenicity. Review status: criteria provided, conflicting classifications (1 of 4 stars). 3 submissions from 3 submitters: Uncertain significance (2); Likely benign (1). Last evaluated 2025-08-04.

Conditions:
Inborn genetic diseases. Identifiers: MedGen C0950123, MeSH D030342.
Mosaic variegated aneuploidy syndrome 2 (MVA2). Identifiers: Orphanet 1052, MedGen C3279843, MONDO:0013582, OMIM 614114.

gnomAD v4.1: 9 of 1,613,826 alleles (0.00056%); highest among the groups gnomAD compares: Admixed American, 0.0017%; no homozygotes.

Submissions (3):

Dasa
Classification: Uncertain significance. Last evaluated: 2025-08-04. Review status: criteria provided, single submitter. Criteria: DASA Assertion Criteria. Collection method: clinical testing. Allele origin: germline.
Comment: NM_014679.5(CEP57):c.1061A>G (p.Asn354Ser) is a missense variant that results in the substitution of asparagine with serine. This variant is rare in population databases. Computational prediction algorithms are consistent with a benign effect. The currently available literature and clinical evidence are not sufficient to establish a definitive association between this variant and the reported condition. Therefore, this variant is classified as a variant of uncertain significance.

Ambry Genetics
Classification: Likely benign for Inborn genetic diseases. Last evaluated: 2025-02-12. Review status: criteria provided, single submitter. Criteria: Ambry Variant Classification Scheme 2023. Collection method: clinical testing. Allele origin: germline.

Labcorp Genetics (formerly Invitae), Labcorp
Classification: Uncertain significance for Mosaic variegated aneuploidy syndrome 2. Last evaluated: 2025-02-07. Review status: criteria provided, single submitter. Criteria: Invitae Variant Classification Sherloc (09022015). Collection method: clinical testing. Allele origin: germline.
Comment: This sequence change replaces asparagine, which is neutral and polar, with serine, which is neutral and polar, at codon 354 of the CEP57 protein (p.Asn354Ser). This variant is present in population databases (rs756729497, gnomAD 0.002%). This variant has not been reported in the literature in individuals affected with CEP57-related conditions. Invitae Evidence Modeling of protein sequence and biophysical properties (such as structural, functional, and spatial information, amino acid conservation, physicochemical variation, residue mobility, and thermodynamic stability) indicates that this missense variant is not expected to disrupt CEP57 protein function with a negative predictive value of 80%. In summary, the available evidence is currently insufficient to determine the role of this variant in disease. Therefore, it has been classified as a Variant of Uncertain Significance.